The following is an entry in ClinVar:

NM_024408.4(NOTCH2):c.6979A>G (p.Thr2327Ala)

Gene: NOTCH2 (notch receptor 2; minus strand). Cytogenetic location: 1p12.
Variant type: single nucleotide variant.
Coding change: c.6979A>G on transcript NM_024408.4 (MANE Select); coding-DNA position 6979, A replaced by G.
Protein change: p.Thr2327Ala; replaces threonine 2327 with alanine.
Molecular consequence: missense variant.
Genome position (GRCh38, 1-based): chr1:119,915,743, T>C on the plus strand (A>G on the coding strand, the complement: NOTCH2 is on the minus strand). VCF-style: chr1-119915743-T-C. GRCh37 (hg19) VCF-style: chr1-120458366-T-C.
Other names: c.6979A>G (NM_024408.3); short protein forms T2327A.
Identifiers: ClinVar variation 134982 (VCV000134982.12), dbSNP rs587778578, ClinGen allele CA161291.

ClinVar aggregate classification (germline): Conflicting classifications of pathogenicity. Review status: criteria provided, conflicting classifications (1 of 4 stars). 5 submissions from 5 submitters: Uncertain significance (2); Benign (1). 2 of the submissions do not count toward it. Last evaluated 2025-09-10.

Conditions:
NOTCH2-related disorder. Also called: NOTCH2-related condition.
Alagille syndrome due to a NOTCH2 point mutation. Also called: Alagille syndrome 2. Identifiers: Orphanet 261629, Orphanet 52, MedGen C1857761, MONDO:0012439, OMIM 610205.
Hajdu-Cheney syndrome (HJCYS). Also called: ACROOSTEOLYSIS WITH OSTEOPOROSIS AND CHANGES IN SKULL AND MANDIBLE; Acroosteolysis dominant type; SERPENTINE FIBULA-POLYCYSTIC KIDNEY SYNDROME. Identifiers: Orphanet 955, MedGen C0917715, MONDO:0007057, OMIM 102500.

Allele frequency attached by ClinVar (database versions not stated): gnomAD 0.00005; gnomAD exomes 0.00005 and 0.00011; ExAC 0.00008; TOPMed 0.00008.
gnomAD v4.1: 91 of 1,607,574 alleles (0.0057%); highest among the groups gnomAD compares: African/African-American, 0.0027%; no homozygotes.

Submissions (5):

Labcorp Genetics (formerly Invitae), Labcorp
Classification: Benign for Hajdu-Cheney syndrome. Last evaluated: 2025-09-10. Review status: criteria provided, single submitter. Criteria: Invitae Variant Classification Sherloc (09022015). Collection method: clinical testing. Allele origin: germline.

Fulgent Genetics
Classification: Uncertain significance for Hajdu-Cheney syndrome; Alagille syndrome due to a NOTCH2 point mutation. Last evaluated: 2022-03-17. Review status: criteria provided, single submitter. Criteria: ACMG Guidelines, 2015. Collection method: clinical testing. Allele origin: unknown.

Eurofins Ntd Llc (ga)
Classification: Uncertain significance. Last evaluated: 2017-09-26. Review status: criteria provided, single submitter. Criteria: EGL Classification Definitions 2015. Collection method: clinical testing. Allele origin: germline. Observed: 1 variant allele, 1 heterozygote.

PreventionGenetics, part of Exact Sciences
Classification: Likely benign for NOTCH2-related condition. Last evaluated: 2024-07-15. Review status: no assertion criteria provided. Collection method: clinical testing. Allele origin: germline. Not counted in ClinVar's aggregate classification.
Comment: This variant is classified as likely benign based on ACMG/AMP sequence variant interpretation guidelines (Richards et al. 2015 PMID: 25741868, with internal and published modifications).

ITMI
No classification provided. Condition: AllHighlyPenetrant. Last evaluated: 2013-09-19. Review status: no classification provided. Collection method: reference population. Allele origin: germline. Not counted in ClinVar's aggregate classification.
Comment: Please see associated publication for description of ethnicities

Literature cited by the submitters: PubMed 24728327 (cited by ITMI).